The following is an entry in ClinVar:

NM_001388308.1(KIF12):c.1492-3C>T

Gene: KIF12 (kinesin family member 12; minus strand). Cytogenetic location: 9q32.
Variant type: single nucleotide variant.
Coding change: c.1492-3C>T on transcript NM_001388308.1 (MANE Select); 3 bases into the intron before coding-DNA position 1492, C replaced by T.
Molecular consequence: intron variant.
Genome position (GRCh38, 1-based): chr9:114,093,336, G>A on the plus strand (C>T on the coding strand, the complement: KIF12 is on the minus strand). VCF-style: chr9-114093336-G-A. GRCh37 (hg19) VCF-style: chr9-116855616-G-A.
Other names: c.1078-3C>T (NM_138424.2).
Identifiers: ClinVar variation 4753094 (VCV004753094.1).

ClinVar aggregate classification (germline): Uncertain significance (1 of 4 stars; one submission).

gnomAD v4.1: 25 of 1,556,186 alleles (0.0016%); highest among the groups gnomAD compares: Admixed American, 0.047%; no homozygotes.

Submission:

Labcorp Genetics (formerly Invitae), Labcorp
Classification: Uncertain significance. Last evaluated: 2026-01-11. Review status: criteria provided, single submitter. Criteria: Invitae Variant Classification Sherloc (09022015). Collection method: clinical testing. Allele origin: germline.
Comment: This sequence change falls in intron 12 of the KIF12 gene. It does not directly change the encoded amino acid sequence of the KIF12 protein. It affects a nucleotide within the consensus splice site. This variant is present in population databases (rs765357219, gnomAD 0.05%), including at least one homozygous and/or hemizygous individual. This variant has not been reported in the literature in individuals affected with KIF12-related conditions. Variants that disrupt the consensus splice site are a relatively common cause of aberrant splicing (PMID: 17576681, 9536098). Algorithms developed to predict the effect of sequence changes on RNA splicing suggest that this variant is not likely to affect RNA splicing. In summary, the available evidence is currently insufficient to determine the role of this variant in disease. Therefore, it has been classified as a Variant of Uncertain Significance.

Literature cited by the submitters: PubMed 17576681; PubMed 9536098.